The following is an entry in ClinVar:

ClinVar aggregate classification (germline): Pathogenic/Likely pathogenic. Review status: criteria provided, multiple submitters, no conflicts (2 of 4 stars). 2 submissions from 2 submitters: Pathogenic (1); Likely pathogenic (1). Last evaluated 2025-12-29.

Conditions:
Hereditary cancer-predisposing syndrome. Also called: Neoplastic Syndromes, Hereditary; Tumor predisposition; Hereditary Cancer Syndrome; Hereditary neoplastic syndrome. Identifiers: Orphanet 140162, MedGen C0027672, MeSH D009386, MONDO:0015356.

Submissions (2):

Center for Genomic Medicine, Rigshospitalet, Copenhagen University Hospital
Classification: Likely pathogenic. Last evaluated: 2025-12-29. Review status: criteria provided, single submitter. Criteria: ACMG Guidelines, 2015. Collection method: clinical testing. Allele origin: germline.
Comment: Classification criteria: PVS1, PM2

Ambry Genetics
Classification: Pathogenic for Hereditary cancer-predisposing syndrome. Last evaluated: 2022-04-08. Review status: criteria provided, single submitter. Criteria: Ambry Variant Classification Scheme 2023. Collection method: clinical testing. Allele origin: germline.
Comment: The p.E640* pathogenic mutation (also known as c.1918G>T), located in coding exon 11 of the PMS2 gene, results from a G to T substitution at nucleotide position 1918. This changes the amino acid from a glutamic acid to a stop codon within coding exon 11. This alteration is expected to result in loss of function by premature protein truncation or nonsense-mediated mRNA decay. As such, this alteration is interpreted as a disease-causing mutation.

NM_000535.7(PMS2):c.1918G>T (p.Glu640Ter)

Gene: PMS2 (PMS1 homolog 2, mismatch repair system component; minus strand). Cytogenetic location: 7p22.1.
Variant type: single nucleotide variant.
Coding change: c.1918G>T on transcript NM_000535.7 (MANE Select); coding-DNA position 1918, G replaced by T.
Protein change: p.Glu640Ter; replaces glutamic acid 640 with a stop codon.
Molecular consequence: nonsense. On other transcripts: non-coding transcript variant (1).
Genome position (GRCh38, 1-based): chr7:5,986,847, C>A on the plus strand (G>T on the coding strand, the complement: PMS2 is on the minus strand). VCF-style: chr7-5986847-C-A. GRCh37 (hg19) VCF-style: chr7-6026478-C-A.
Other names: c.1513G>T, p.Glu505Ter (NM_001018040.1, NM_001322003.2, NM_001322004.2 and 17 more transcripts); c.1762G>T, p.Glu588Ter (NM_001322006.2, NM_001406870.1); c.1600G>T, p.Glu534Ter (NM_001322007.2, NM_001322008.2, NM_001406876.1 and 2 more transcripts); c.1357G>T, p.Glu453Ter (NM_001322010.2, NM_001406906.1, NM_001406907.1); c.985G>T, p.Glu329Ter (NM_001322011.2, NM_001322012.2); c.1345G>T, p.Glu449Ter (NM_001322013.2, NM_001406909.1); c.1918G>T, p.Glu640Ter (NM_001322014.2, NM_001406871.1, NM_001406872.1); c.1609G>T, p.Glu537Ter (NM_001322015.2, NM_001406875.1, NM_001406877.1 and 5 more transcripts); and 12 more; short protein forms E449*, E482*, E534*, E453*, E469*, E485*, E518*, E532*.
Identifiers: ClinVar variation 1782611 (VCV001782611.3), dbSNP rs886062400, ClinGen allele CA366739262.
Genomic context (GRCh38, chr7:5,986,847, plus strand): 5'-CTGCTTGATTTTCTCCAGGACAAATCTTTGCCCTAAACTTCCTGTAATTCTGTTCCCCTT[C>A]ACTTTGCTGTGCTTCATGATGTAACTGCTTTATTCGTTTAGCTAAAGAACTCATAGAAAA-3'